The following is an entry in ClinVar:

ClinVar aggregate classification (germline): Uncertain significance (1 of 4 stars; one submission).

Conditions:
Neuronal ceroid lipofuscinosis 7 (CLN7). Also called: MFSD8-Related Neuronal Ceroid-Lipofuscinosis. Identifiers: Orphanet 168491, Orphanet 228366, MedGen C1838571, MONDO:0012588, OMIM 610951.

Allele frequency attached by ClinVar (database versions not stated): gnomAD 0.00001.
gnomAD v4.1: 1 of 1,613,896 alleles (0.000062%); highest among the groups gnomAD compares: Non-Finnish European, 0.000085%; no homozygotes.

Submission:

Labcorp Genetics (formerly Invitae), Labcorp
Classification: Uncertain significance for Neuronal ceroid lipofuscinosis 7. Last evaluated: 2023-08-17. Review status: criteria provided, single submitter. Criteria: Invitae Variant Classification Sherloc (09022015). Collection method: clinical testing. Allele origin: germline.
Comment: ClinVar contains an entry for this variant (Variation ID: 1060737). In summary, the available evidence is currently insufficient to determine the role of this variant in disease. Therefore, it has been classified as a Variant of Uncertain Significance. Algorithms developed to predict the effect of missense changes on protein structure and function output the following: SIFT: "Not Available"; PolyPhen-2: "Benign"; Align-GVGD: "Not Available". The cysteine amino acid residue is found in multiple mammalian species, which suggests that this missense change does not adversely affect protein function. This variant has not been reported in the literature in individuals affected with MFSD8-related conditions. This variant is present in population databases (no rsID available, gnomAD 0.007%). This sequence change replaces tyrosine, which is neutral and polar, with cysteine, which is neutral and slightly polar, at codon 513 of the MFSD8 protein (p.Tyr513Cys).

NM_001371596.2(MFSD8):c.1538A>G (p.Tyr513Cys)

Gene: MFSD8 (major facilitator superfamily domain containing 8; minus strand). Cytogenetic location: 4q28.2.
Variant type: single nucleotide variant.
Coding change: c.1538A>G on transcript NM_001371596.2 (MANE Select); coding-DNA position 1538, A replaced by G.
Protein change: p.Tyr513Cys; replaces tyrosine 513 with cysteine.
Molecular consequence: missense variant.
Genome position (GRCh38, 1-based): chr4:127,920,649, T>C on the plus strand (A>G on the coding strand, the complement: MFSD8 is on the minus strand). VCF-style: chr4-127920649-T-C. GRCh37 (hg19) VCF-style: chr4-128841804-T-C.
Other names: c.1337A>G, p.Tyr446Cys (NM_001363520.3); c.1223A>G, p.Tyr408Cys (NM_001363521.3); c.1403A>G, p.Tyr468Cys (NM_001371590.2); c.1547A>G, p.Tyr516Cys (NM_001371591.2); c.1544A>G, p.Tyr515Cys (NM_001371592.2); c.1424A>G, p.Tyr475Cys (NM_001371593.2); c.1391A>G, p.Tyr464Cys (NM_001371594.2); c.1256A>G, p.Tyr419Cys (NM_001371595.1); and 3 more; short protein forms Y408C, Y419C, Y446C, Y464C, Y468C, Y475C, Y513C, Y515C.
Identifiers: ClinVar variation 1060737 (VCV001060737.4), dbSNP rs1385542021, ClinGen allele CA358170378.